The following is an entry in ClinVar:

ClinVar aggregate classification (germline): Pathogenic (1 of 4 stars; one submission).

Conditions:
Familial adenomatous polyposis 1 (FAP1). Also called: FAMILIAL ADENOMATOUS POLYPOSIS 1, ATTENUATED; POLYPOSIS, ADENOMATOUS INTESTINAL. Identifiers: MedGen C2713442, MONDO:0021056, OMIM 175100. Disease mechanism: loss of function.

Submission:

Labcorp Genetics (formerly Invitae), Labcorp
Classification: Pathogenic for Familial adenomatous polyposis 1. Last evaluated: 2021-09-10. Review status: criteria provided, single submitter. Criteria: Invitae Variant Classification Sherloc (09022015). Collection method: clinical testing. Allele origin: germline.
Comment: A gross deletion of the genomic region encompassing the full coding sequence of the APC gene has been identified. The boundaries of this event are unknown as the deletion extends beyond the assayed region for this gene and therefore may encompass additional genes. Whole gene deletions have been reported in the literature in individuals with familial adenomatous polyposis (PMID: 18487285, 19279422, 21643010). Loss-of-function variants in APC are known to be pathogenic (PMID: 17963004, 20685668). For these reasons, this variant has been classified as Pathogenic.

Literature cited by the submitters: PubMed 18487285; PubMed 19279422; PubMed 21643010; PubMed 17963004; PubMed 20685668.

NC_000005.9:g.(?_112043009)_(112182936_?)del

Gene: APC (APC regulator of Wnt signaling pathway; plus strand). Cytogenetic location: 5q22.2.
Variant type: Deletion.
Identifiers: ClinVar variation 1069332 (VCV001069332.3).